The following is an entry in ClinVar:

ClinVar aggregate classification (germline): Uncertain significance (1 of 4 stars; one submission).

Conditions:
Primary ciliary dyskinesia. Also called: Ciliary dyskinesia. Identifiers: Orphanet 244, MedGen C0008780, MONDO:0016575, HP:0012265.

Submission:

Labcorp Genetics (formerly Invitae), Labcorp
Classification: Uncertain significance for Primary ciliary dyskinesia. Last evaluated: 2021-08-31. Review status: criteria provided, single submitter. Criteria: Invitae Variant Classification Sherloc (09022015). Collection method: clinical testing. Allele origin: germline.
Comment: This sequence change replaces glutamic acid with lysine at codon 846 of the DNAH5 protein (p.Glu846Lys). The glutamic acid residue is weakly conserved and there is a small physicochemical difference between glutamic acid and lysine. This variant is not present in population databases (ExAC no frequency). This variant has not been reported in the literature in individuals affected with DNAH5-related conditions. Algorithms developed to predict the effect of missense changes on protein structure and function (SIFT, PolyPhen-2, Align-GVGD) all suggest that this variant is likely to be tolerated. In summary, the available evidence is currently insufficient to determine the role of this variant in disease. Therefore, it has been classified as a Variant of Uncertain Significance.

NM_001369.3(DNAH5):c.2536G>A (p.Glu846Lys)

Genes: DNAH5-AS1 (DNAH5 antisense RNA 1; plus strand), DNAH5 (dynein axonemal heavy chain 5; minus strand). Cytogenetic location: 5p15.2.
Variant type: single nucleotide variant.
Coding change: c.2536G>A on transcript NM_001369.3 (MANE Select); coding-DNA position 2536, G replaced by A.
Protein change: p.Glu846Lys; replaces glutamic acid 846 with lysine.
Molecular consequence: missense variant.
Genome position (GRCh38, 1-based): chr5:13,891,017, C>T on the plus strand (G>A on the coding strand, the complement: DNAH5 is on the minus strand). VCF-style: chr5-13891017-C-T. GRCh37 (hg19) VCF-style: chr5-13891126-C-T.
Other names: short protein forms E846K.
Identifiers: ClinVar variation 937835 (VCV000937835.7), dbSNP rs1773148161, ClinGen allele CA359199384.